The following is an entry in ClinVar:

NC_000016.10:g.1772450delinsTCATGGTACATGA

Genes: EME2 (essential meiotic structure-specific endonuclease subunit 2; plus strand), MRPS34 (mitochondrial ribosomal protein S34; minus strand). Cytogenetic location: 16p13.3.
Variant type: Indel.
Molecular consequence: inframe indel (on NM_023936.2).
Genome position: GRCh38 VCF-style: chr16-1772450-G-TCATGGTACATGA. GRCh37 (hg19) VCF-style: chr16-1822451-G-TCATGGTACATGA.
Other names: c.449delinsTCATGTACCATGA, p.Pro150delinsLeuMetTyrHisAsp (NM_001300900.2); c.428delinsTCATGTACCATGA, p.Pro143delinsLeuMetTyrHisAsp (NM_023936.2).
Identifiers: ClinVar variation 5002832 (VCV005002832.1).

ClinVar aggregate classification (germline): Likely pathogenic (1 of 4 stars; one submission).

Conditions:
Combined oxidative phosphorylation deficiency 32 (COXPD32). Identifiers: MedGen C4540029, MONDO:0054654, OMIM 617664.

Submission:

OLLIN Analises Genomicas, OLLIN
Classification: Likely pathogenic for Combined oxidative phosphorylation deficiency 32. Last evaluated: 2026-08-06. Review status: criteria provided, single submitter. Criteria: ACMG Guidelines 2015 PMID 25741868. Collection method: clinical testing. Allele origin: germline.
Comment: This variant is absent from gnomAD and ClinVar and has not been found in the scientific literature. According to the currently available evidence, this variant has been classified as likely pathogenic (PVS1, PM2_P).